The following is an entry in ClinVar:

ClinVar aggregate classification (germline): Likely benign (1 of 4 stars; one submission).

Allele frequency attached by ClinVar (database versions not stated): ExAC 0.00051.

Submission:

CeGaT Center for Human Genetics Tuebingen
Classification: Likely benign. Last evaluated: 2024-02-01. Review status: criteria provided, single submitter. Criteria: CeGaT Center For Human Genetics Tuebingen Variant Classification Criteria Version 2. Collection method: clinical testing. Allele origin: germline. Affected: yes. Observed: 1 variant allele.
Comment: CEL: BP4, BP7

NM_001807.6(CEL):c.2013G>C (p.Pro671=)

Gene: CEL (carboxyl ester lipase; plus strand). Cytogenetic location: 9q34.13.
Variant type: single nucleotide variant.
Coding change: c.2013G>C on transcript NM_001807.6 (MANE Select); coding-DNA position 2013, G replaced by C.
Protein change: p.Pro671=; no amino-acid change (proline 671 retained).
Molecular consequence: synonymous variant.
Genome position (GRCh38, 1-based): chr9:133,071,515, G>C. VCF-style: chr9-133071515-G-C. GRCh37 (hg19) VCF-style: chr9-135946902-G-C.
Identifiers: ClinVar variation 3025343 (VCV003025343.22), dbSNP rs771977099, ClinGen allele CA5303565.
Genomic context (GRCh38, chr9:133,071,515, plus strand): 5'-GGGTGACTCCGGGGCCCCCCCCGTGCCGCCCACGGGTGACTCCGGCGCCCCCCCCGTGCC[G>C]CCCACGGGTGACGCCGGGCCCCCCCCCGTGCCGCCCACGGGTGACTCCGGCGCCCCCCCC-3'
Protein context (NP_001798.3, residues 661-681): PTGDSGAPPV[Pro671=]PTGDAGPPPV